The following is an entry in ClinVar:

ClinVar aggregate classification (germline): Uncertain significance (1 of 4 stars; one submission).

Conditions:
Metachromatic leukodystrophy (MLD). Also called: ARSA DEFICIENCY; CEREBROSIDE SULFATASE DEFICIENCY; METACHROMATIC LEUKOENCEPHALOPATHY; Cerebral sclerosis diffuse metachromatic form; Arylsulfatase A Deficiency; SULFATIDE LIPIDOSIS. Identifiers: Orphanet 512, MedGen C0023522, MONDO:0018868, OMIM 250100.

Submission:

Laboratory of Experimental Gene Therapy of Hereditary Metabolic Diseases, Research Centre for Medical Genetics
Classification: Uncertain significance for Metachromatic leukodystrophy. Last evaluated: 2026-09-17. Review status: criteria provided, single submitter. Criteria: ARSA MLD Assertion Criteria V2 2026 09 18. Collection method: clinical testing. Allele origin: germline. Inheritance: Autosomal recessive inheritance. Observed: 1 variant allele, 1 heterozygote.
Comment: Reassessed under ACMG/AMP 2015 with ClinGen SVI refinements and a Bayesian point framework (supporting=1, moderate=2, strong=4, very strong=8; 6-9 points=likely pathogenic; >=10 points=pathogenic). Final score: 5. Evidence applied: PM2_Supporting, PP3_Strong. Observations from the present referral series were excluded from classification.

NM_000487.6(ARSA):c.748G>T (p.Gly250Trp)

Gene: ARSA (arylsulfatase A; minus strand). Cytogenetic location: 22q13.33.
Variant type: single nucleotide variant.
Coding change: c.748G>T on transcript NM_000487.6 (MANE Select); coding-DNA position 748, G replaced by T.
Protein change: p.Gly250Trp; replaces glycine 250 with tryptophan.
Molecular consequence: missense variant.
Genome position (GRCh38, 1-based): chr22:50,626,697, C>A on the plus strand (G>T on the coding strand, the complement: ARSA is on the minus strand). VCF-style: chr22-50626697-C-A. GRCh37 (hg19) VCF-style: chr22-51065125-C-A.
Other names: NP_000478.3:p.(Gly250Trp); c.748G>T, p.Gly250Trp (NM_001085425.3, NM_001085426.3, NM_001085427.3); c.490G>T, p.Gly164Trp (NM_001085428.3, NM_001362782.2); short protein forms G164W, G250W.
Identifiers: ClinVar variation 4850945 (VCV004850945.2).
Genomic context (GRCh38, chr22:50,626,697, plus strand): 5'-GGTCCCCTATGGCTGTCATCAGGGTCCCCACAGCTGCATCCAGCTCCATCAGGGAGTCCC[C>A]AAATGGCCCGCGGCCTGAACGCTCTGCAAAGCTCTGCCCACTGAACTGAGGGTAGTGGGT-3'
Protein context (NP_000478.3, residues 240-260): FAERSGRGPF[Gly250Trp]DSLMELDAAV